The following is an entry in ClinVar:

NM_001267550.2(TTN):c.59763del (p.Ser19921fs)

Genes: TTN-AS1 (TTN antisense RNA 1; plus strand), TTN (titin; minus strand), LOC126806424 (CDK7 strongly-dependent group 2 enhancer GRCh37_chr2:179456337-179457536; plus strand). Cytogenetic location: 2q31.2.
Variant type: Deletion.
Coding change: c.59763del on transcript NM_001267550.2 (MANE Select); coding-DNA position 59763, one base deleted (C; older notation c.59763delC).
Protein change: p.Ser19921fs; shifts the reading frame from serine 19921.
Molecular consequence: frameshift variant.
Genome position (GRCh38, 1-based): chr2:178,592,141, G deleted on the plus strand (C on the coding strand, the reverse complement: TTN is on the minus strand). VCF-style (leftmost placement, unchanged base first): chr2-178592140-CG-C. GRCh37 (hg19) VCF-style: chr2-179456867-CG-C.
Other names: c.32568delC (NM_003319.4); c.54840del, p.Ser18280fs (NM_001256850.1); c.32568del, p.Ser10856fs (NM_003319.4); c.52059del, p.Ser17353fs (NM_133378.4); c.32943del, p.Ser10981fs (NM_133432.3); c.33144del, p.Ser11048fs (NM_133437.4); c.59763delC (NM_001267550.2); short protein forms S10856fs, S18280fs, S11048fs, S10981fs, S17353fs, S19921fs.
Identifiers: ClinVar variation 571618 (VCV000571618.9), dbSNP rs1559599859, ClinGen allele CA891843234.

ClinVar aggregate classification (germline): Likely pathogenic. Review status: criteria provided, multiple submitters, no conflicts (2 of 4 stars). 2 submissions from 2 submitters: Likely pathogenic (2). Last evaluated 2023-06-27.

Conditions:
Dilated cardiomyopathy 1G (CMD1G). Identifiers: Orphanet 154, MedGen C1858763, MONDO:0011400, OMIM 604145.
Autosomal recessive limb-girdle muscular dystrophy type 2J (LGMDR10). Also called: Limb-girdle muscular dystrophy, type 2J; MUSCULAR DYSTROPHY, LIMB-GIRDLE, AUTOSOMAL RECESSIVE 10. Identifiers: Orphanet 140922, MedGen C1837342, MONDO:0012127, OMIM 608807.
Cardiovascular phenotype. Identifiers: MedGen CN230736.

Submissions (2):

Labcorp Genetics (formerly Invitae), Labcorp
Classification: Likely pathogenic for Dilated cardiomyopathy 1G; Autosomal recessive limb-girdle muscular dystrophy type 2J. Last evaluated: 2023-06-27. Review status: criteria provided, single submitter. Criteria: Invitae Variant Classification Sherloc (09022015). Collection method: clinical testing. Allele origin: germline.
Comment: ClinVar contains an entry for this variant (Variation ID: 571618). In summary, the currently available evidence indicates that the variant is pathogenic, but additional data are needed to prove that conclusively. Therefore, this variant has been classified as Likely Pathogenic. This variant is located in the A band of TTN (PMID: 25589632). Truncating variants in this region are significantly overrepresented in patients affected with dilated cardiomyopathy (PMID: 25589632). Truncating variants in this region have also been reported in individuals affected with autosomal recessive centronuclear myopathy (PMID: 23975875). This variant has not been reported in the literature in individuals affected with TTN-related conditions. This variant is not present in population databases (gnomAD no frequency). This sequence change creates a premature translational stop signal (p.Ser19921Argfs*21) in the TTN gene. While this is not anticipated to result in nonsense mediated decay, it is expected to create a truncated TTN protein.

Ambry Genetics
Classification: Likely pathogenic for Cardiovascular phenotype. Last evaluated: 2019-09-09. Review status: criteria provided, single submitter. Criteria: Ambry Variant Classification Scheme 2023. Collection method: clinical testing. Allele origin: germline.
Comment: The c.32568delC variant, located in coding exon 129 of the TTN gene, results from a deletion of one nucleotide at nucleotide position 32568, causing a translational frameshift with a predicted alternate stop codon (p.S10856Rfs*21). This exon is located in the A-band region of the N2-B isoform of the titin protein and is constitutively expressed in TTN transcripts (percent spliced in or PSI 100%). This alteration is expected to result in loss of function by premature protein truncation or nonsense-mediated mRNA decay. While truncating variants in TTN are present in 1-3% of the general population, truncating variants in the A-band are the most common cause of dilated cardiomyopathy (DCM) (Herman DS et al. N. Engl. J. Med., 2012 Feb;366:619-28; Roberts AM et al. Sci Transl Med, 2015 Jan;7:270ra6). TTN truncating variants encoded in constitutive exons (PSI >90%) have been found to be significantly associated with DCM regardless of their position in titin (Schafer S et al. Nat. Genet., 2017 01;49:46-53). As such, this alteration is classified as likely pathogenic.

Literature cited by the submitters: PubMed 25589632 (cited by Labcorp Genetics (formerly Invitae), Labcorp); PubMed 23975875 (cited by Labcorp Genetics (formerly Invitae), Labcorp).